The following is an entry in ClinVar:

ClinVar aggregate classification (germline): Uncertain significance (1 of 4 stars; one submission).

Conditions:
Charcot-Marie-Tooth disease type 4. Also called: Charcot-Marie-Tooth disease, type IV; Charcot-Marie-Tooth, Type 4. Identifiers: Orphanet 64749, MedGen C4082197, MONDO:0018995.

Allele frequency attached by ClinVar (database versions not stated): gnomAD 0.00001; ExAC 0.00001; gnomAD exomes 0.00001; TOPMed 0.00001.
gnomAD v4.1: 21 of 1,614,002 alleles (0.0013%); highest among the groups gnomAD compares: Non-Finnish European, 0.0014%; no homozygotes.

Submission:

Labcorp Genetics (formerly Invitae), Labcorp
Classification: Uncertain significance for Charcot-Marie-Tooth disease type 4. Last evaluated: 2021-11-30. Review status: criteria provided, single submitter. Criteria: Invitae Variant Classification Sherloc (09022015). Collection method: clinical testing. Allele origin: germline.
Comment: This sequence change replaces arginine, which is basic and polar, with glutamine, which is neutral and polar, at codon 295 of the MTMR2 protein (p.Arg295Gln). This variant is present in population databases (rs777854770, gnomAD 0.006%). This variant has not been reported in the literature in individuals affected with MTMR2-related conditions. Advanced modeling of protein sequence and biophysical properties (such as structural, functional, and spatial information, amino acid conservation, physicochemical variation, residue mobility, and thermodynamic stability) performed at Invitae indicates that this missense variant is expected to disrupt MTMR2 protein function. In summary, the available evidence is currently insufficient to determine the role of this variant in disease. Therefore, it has been classified as a Variant of Uncertain Significance.

NM_016156.6(MTMR2):c.884G>A (p.Arg295Gln)

Gene: MTMR2 (myotubularin related protein 2; minus strand). Cytogenetic location: 11q21.
Variant type: single nucleotide variant.
Coding change: c.884G>A on transcript NM_016156.6 (MANE Select); coding-DNA position 884, G replaced by A.
Protein change: p.Arg295Gln; replaces arginine 295 with glutamine.
Molecular consequence: missense variant.
Genome position (GRCh38, 1-based): chr11:95,849,783, C>T on the plus strand (G>A on the coding strand, the complement: MTMR2 is on the minus strand). VCF-style: chr11-95849783-C-T. GRCh37 (hg19) VCF-style: chr11-95582947-C-T.
Other names: c.668G>A, p.Arg223Gln (NM_001243571.2, NM_201278.3, NM_201281.3); short protein forms R223Q, R295Q.
Identifiers: ClinVar variation 1481468 (VCV001481468.3), dbSNP rs777854770, ClinGen allele CA6240178.